The following is an entry in ClinVar:

NM_201384.3(PLEC):c.5644G>A (p.Glu1882Lys)

Gene: PLEC (plectin; minus strand). Cytogenetic location: 8q24.3.
Variant type: single nucleotide variant.
Coding change: c.5644G>A on transcript NM_201384.3 (MANE Select); coding-DNA position 5644, G replaced by A.
Protein change: p.Glu1882Lys; replaces glutamic acid 1882 with lysine.
Molecular consequence: missense variant.
Genome position (GRCh38, 1-based): chr8:143,924,285, C>T on the plus strand (G>A on the coding strand, the complement: PLEC is on the minus strand). VCF-style: chr8-143924285-C-T. GRCh37 (hg19) VCF-style: chr8-144998453-C-T.
Other names: c.5725G>A, p.Glu1909Lys (NM_000445.5); c.5602G>A, p.Glu1868Lys (NM_201378.4); c.5578G>A, p.Glu1860Lys (NM_201379.3); c.6055G>A, p.Glu2019Lys (NM_201380.4); c.5548G>A, p.Glu1850Lys (NM_201381.3); c.5644G>A, p.Glu1882Lys (NM_201382.4); c.5656G>A, p.Glu1886Lys (NM_201383.3); short protein forms E1886K, E1850K, E1860K, E1882K, E1868K, E1909K, E2019K.
Identifiers: ClinVar variation 1402185 (VCV001402185.8), dbSNP rs914053921, ClinGen allele CA187615517.

ClinVar aggregate classification (germline): Uncertain significance (1 of 4 stars; one submission).

Conditions:
Epidermolysis bullosa simplex 5C, with pyloric atresia (EBS5C). Also called: Epidermolysis bullosa simplex with pyloric atresia; PLEC-Related Epidermolysis Bullosa with Pyloric Atresia; PLEC1-Related Epidermolysis Bullosa with Pyloric Atresia. Identifiers: Orphanet 158684, MedGen C2677349, MONDO:0012807, OMIM 612138.
Epidermolysis bullosa simplex with nail dystrophy (EBS5D). Identifiers: MedGen C4225309, MONDO:0014661, OMIM 616487.
Epidermolysis bullosa simplex 5B, with muscular dystrophy (EBS5B). Also called: Epidermolysis bullosa simplex with muscular dystrophy; EPIDERMOLYSIS BULLOSA SIMPLEX AND LIMB-GIRDLE MUSCULAR DYSTROPHY. Identifiers: Orphanet 257, MedGen C2931072, MONDO:0009181, OMIM 226670.
Autosomal recessive limb-girdle muscular dystrophy type 2Q (LGMDR17). Also called: MUSCULAR DYSTROPHY, LIMB-GIRDLE, AUTOSOMAL RECESSIVE 17. Identifiers: Orphanet 254361, MedGen C3150989, MONDO:0013390, OMIM 613723.
Epidermolysis bullosa simplex, Ogna type (EBS5A). Also called: Pidermolysis bullosa simplex 5A, Ogna type; EPIDERMOLYSIS BULLOSA SIMPLEX 5A, OGNA TYPE. Identifiers: Orphanet 79401, MedGen C0432317, MONDO:0007555, OMIM 131950.

Allele frequency attached by ClinVar (database versions not stated): gnomAD exomes below 0.00001; TOPMed below 0.00001.
gnomAD v4.1: 2 of 1,595,640 alleles (0.00013%); highest among the groups gnomAD compares: East Asian, 0.0022%; no homozygotes.

Submission:

Labcorp Genetics (formerly Invitae), Labcorp
Classification: Uncertain significance for Autosomal recessive limb-girdle muscular dystrophy type 2Q; Epidermolysis bullosa simplex, Ogna type; Epidermolysis bullosa simplex with nail dystrophy; Epidermolysis bullosa simplex 5C, with pyloric atresia; Epidermolysis bullosa simplex 5B, with muscular dystrophy. Last evaluated: 2023-11-13. Review status: criteria provided, single submitter. Criteria: Invitae Variant Classification Sherloc (09022015). Collection method: clinical testing. Allele origin: germline.
Comment: This sequence change replaces glutamic acid, which is acidic and polar, with lysine, which is basic and polar, at codon 1909 of the PLEC protein (p.Glu1909Lys). This variant is not present in population databases (gnomAD no frequency). This variant has not been reported in the literature in individuals affected with PLEC-related conditions. ClinVar contains an entry for this variant (Variation ID: 1402185). Experimental studies and prediction algorithms are not available or were not evaluated, and the functional significance of this variant is currently unknown. In summary, the available evidence is currently insufficient to determine the role of this variant in disease. Therefore, it has been classified as a Variant of Uncertain Significance.